The following is an entry in ClinVar:

NM_002858.4(ABCD3):c.1273C>T (p.Pro425Ser)

Gene: ABCD3 (ATP binding cassette subfamily D member 3; plus strand). Cytogenetic location: 1p21.3.
Variant type: single nucleotide variant.
Coding change: c.1273C>T on transcript NM_002858.4 (MANE Select); coding-DNA position 1273, C replaced by T.
Protein change: p.Pro425Ser; replaces proline 425 with serine.
Molecular consequence: missense variant.
Genome position (GRCh38, 1-based): chr1:94,489,926, C>T. VCF-style: chr1-94489926-C-T. GRCh37 (hg19) VCF-style: chr1-94955482-C-T.
Other names: short protein forms P425S.
Identifiers: ClinVar variation 4137947 (VCV004137947.2).

ClinVar aggregate classification (germline): Uncertain significance. Review status: criteria provided, multiple submitters, no conflicts (2 of 4 stars). 2 submissions from 2 submitters: Uncertain significance (2). Last evaluated 2025-08-22.

gnomAD v4.1: 5 of 1,612,972 alleles (0.00031%); highest among the groups gnomAD compares: Non-Finnish European, 0.00042%; no homozygotes.

Submissions (2):

Ambry Genetics
Classification: Uncertain significance. Last evaluated: 2025-08-22. Review status: criteria provided, single submitter. Criteria: Ambry Variant Classification Scheme 2023. Collection method: clinical testing. Allele origin: germline.

Labcorp Genetics (formerly Invitae), Labcorp
Classification: Uncertain significance. Last evaluated: 2025-07-06. Review status: criteria provided, single submitter. Criteria: Invitae Variant Classification Sherloc (09022015). Collection method: clinical testing. Allele origin: germline.
Comment: This sequence change replaces proline, which is neutral and non-polar, with serine, which is neutral and polar, at codon 425 of the ABCD3 protein (p.Pro425Ser). This variant is present in population databases (no rsID available, gnomAD 0.0009%). This variant has not been reported in the literature in individuals affected with ABCD3-related conditions. An algorithm developed to predict the effect of missense changes on protein structure and function (PolyPhen-2) suggests that this variant is likely to be tolerated. In summary, the available evidence is currently insufficient to determine the role of this variant in disease. Therefore, it has been classified as a Variant of Uncertain Significance.